The following is an entry in ClinVar:

ClinVar aggregate classification (germline): Pathogenic (1 of 4 stars; one submission).

Conditions:
Hereditary spastic paraplegia 15 (SPG15). Also called: SPASTIC PARAPLEGIA 15, AUTOSOMAL RECESSIVE; KJELLIN SYNDROME; SPASTIC PARAPLEGIA AND RETINAL DEGENERATION. Identifiers: Orphanet 100996, MedGen C1849128, MONDO:0010044, OMIM 270700.

gnomAD v4.1: 1 of 1,614,168 alleles (0.000062%); highest among the groups gnomAD compares: Non-Finnish European, 0.000085%; no homozygotes.

Submission:

Myriad Genetics, Inc.
Classification: Pathogenic for Hereditary spastic paraplegia 15. Last evaluated: 2025-09-04. Review status: criteria provided, single submitter. Criteria: Myriad Autosomal Dominant, Autosomal Recessive and X-Linked Classification Criteria (2023). Collection method: clinical testing. Allele origin: unknown.
Comment: NM_015346.3(ZFYVE26):c.2215A>T(R739*) is expected to be pathogenic in the context of spastic paraplegia type 15. This variant is predicted to lead to an abnormal or absent protein product due to the creation of a premature termination codon in ZFYVE26, a gene where loss-of-function variants are known to be pathogenic. Please note: this variant was assessed in the context of healthy population screening.

NM_015346.4(ZFYVE26):c.2215A>T (p.Arg739Ter)

Gene: ZFYVE26 (zinc finger FYVE-type containing 26; minus strand). Cytogenetic location: 14q24.1.
Variant type: single nucleotide variant.
Coding change: c.2215A>T on transcript NM_015346.4 (MANE Select); coding-DNA position 2215, A replaced by T.
Protein change: p.Arg739Ter; replaces arginine 739 with a stop codon.
Molecular consequence: nonsense.
Genome position (GRCh38, 1-based): chr14:67,798,047, T>A on the plus strand (A>T on the coding strand, the complement: ZFYVE26 is on the minus strand). VCF-style: chr14-67798047-T-A. GRCh37 (hg19) VCF-style: chr14-68264764-T-A.
Other names: short protein forms R739*.
Identifiers: ClinVar variation 5014938 (VCV005014938.1).